The following is an entry in ClinVar:

NM_001206927.2(DNAH8):c.1835T>A (p.Ile612Asn)

Gene: DNAH8 (dynein axonemal heavy chain 8; plus strand). Cytogenetic location: 6p21.2.
Variant type: single nucleotide variant.
Coding change: c.1835T>A on transcript NM_001206927.2 (MANE Select); coding-DNA position 1835, T replaced by A.
Protein change: p.Ile612Asn; replaces isoleucine 612 with asparagine.
Molecular consequence: missense variant.
Genome position (GRCh38, 1-based): chr6:38,775,824, T>A. VCF-style: chr6-38775824-T-A. GRCh37 (hg19) VCF-style: chr6-38743600-T-A.
Other names: c.1184T>A, p.Ile395Asn (NM_001371.4); short protein forms I395N, I612N.
Identifiers: ClinVar variation 2805262 (VCV002805262.3), dbSNP rs1768007169, ClinGen allele CA363988348.

ClinVar aggregate classification (germline): Uncertain significance (1 of 4 stars; one submission).

Conditions:
Primary ciliary dyskinesia. Also called: Ciliary dyskinesia. Identifiers: Orphanet 244, MedGen C0008780, MONDO:0016575, HP:0012265.

Submission:

Labcorp Genetics (formerly Invitae), Labcorp
Classification: Uncertain significance for Primary ciliary dyskinesia. Last evaluated: 2023-04-17. Review status: criteria provided, single submitter. Criteria: Invitae Variant Classification Sherloc (09022015). Collection method: clinical testing. Allele origin: germline.
Comment: This sequence change replaces isoleucine, which is neutral and non-polar, with asparagine, which is neutral and polar, at codon 612 of the DNAH8 protein (p.Ile612Asn). This variant is not present in population databases (gnomAD no frequency). In summary, the available evidence is currently insufficient to determine the role of this variant in disease. Therefore, it has been classified as a Variant of Uncertain Significance. Experimental studies and prediction algorithms are not available or were not evaluated, and the functional significance of this variant is currently unknown. This variant has not been reported in the literature in individuals affected with DNAH8-related conditions.